The following is an entry in ClinVar:

NM_017446.4(MRPL39):c.921+5G>A

Gene: MRPL39 (mitochondrial ribosomal protein L39; minus strand). Cytogenetic location: 21q21.3.
Variant type: single nucleotide variant.
Coding change: c.921+5G>A on transcript NM_017446.4 (MANE Select); 5 bases into the intron after coding-DNA position 921, G replaced by A.
Molecular consequence: intron variant.
Genome position (GRCh38, 1-based): chr21:25,592,807, C>T on the plus strand (G>A on the coding strand, the complement: MRPL39 is on the minus strand). VCF-style: chr21-25592807-C-T. GRCh37 (hg19) VCF-style: chr21-26965119-C-T.
Other names: c.921+5G>A (NM_080794.4).
Identifiers: ClinVar variation 1676672 (VCV001676672.3), dbSNP rs375392547, ClinGen allele CA9985833.

ClinVar aggregate classification (germline): Likely pathogenic. Review status: criteria provided, single submitter (1 of 4 stars). 3 submissions from 3 submitters: Likely pathogenic (1). 2 of the submissions do not count toward it. Last evaluated 2026-03-21.

Conditions:
Combined oxidative phosphorylation deficiency 59 (COXPD59). Identifiers: MedGen C5882730, MONDO:0957992, OMIM 620646.
Leigh syndrome (NULS). Also called: LEIGH SYNDROME, NUCLEAR; Leigh's necrotizing encephalopathy; Leigh's disease; Leigh Syndrome (mtDNA deletion); Leigh's syndrome; Leigh Disease. Identifiers: Orphanet 506, MedGen C2931891, MONDO:0009723, OMIM 256000.

Allele frequency attached by ClinVar (database versions not stated): gnomAD 0.00001; gnomAD exomes 0.00001; TOPMed 0.00001; ExAC 0.00002; ESP Exome Variant Server 0.00008.
gnomAD v4.1: 22 of 1,590,436 alleles (0.0014%); highest among the groups gnomAD compares: Non-Finnish European, 0.0018%; no homozygotes.

Submissions (3):

GeneDx
Classification: Likely pathogenic. Last evaluated: 2026-03-21. Review status: criteria provided, single submitter. Criteria: GeneDx Variant Classification Process June 2021. Collection method: clinical testing. Allele origin: germline.
Comment: RNA studies demonstrate a damaging effect: aberrant splicing that results in skipping of exon 8 and frameshift (PMID: 37133451); Not observed at significant frequency in large population cohorts (gnomAD); In silico analysis supports a deleterious effect on splicing; This variant is associated with the following publications: (PMID: 37133451)

OMIM
Classification: Pathogenic for COMBINED OXIDATIVE PHOSPHORYLATION DEFICIENCY 59. Last evaluated: 2023-12-05. Review status: no assertion criteria provided. Collection method: literature only. Allele origin: germline. Not counted in ClinVar's aggregate classification.

Mitochondrial Research Group, Murdoch Children's Research Institute
Classification: Likely pathogenic for Leigh syndrome. Last evaluated: 2022-04-03. Review status: no assertion criteria provided. Collection method: research. Allele origin: inherited, not applicable. Inheritance: Autosomal recessive inheritance. Affected: yes. Observed: 2 variant alleles. Not counted in ClinVar's aggregate classification.

Literature cited by the submitters: PubMed 37133451 (cited by OMIM).